The following is an entry in ClinVar:

NM_022765.4(MICAL1):c.643A>G (p.Ile215Val)

Gene: MICAL1 (microtubule associated monooxygenase, calponin and LIM domain containing 1; minus strand). Cytogenetic location: 6q21.
Variant type: single nucleotide variant.
Coding change: c.643A>G on transcript NM_022765.4 (MANE Select); coding-DNA position 643, A replaced by G.
Protein change: p.Ile215Val; replaces isoleucine 215 with valine.
Molecular consequence: missense variant.
Genome position (GRCh38, 1-based): chr6:109,452,544, T>C on the plus strand (A>G on the coding strand, the complement: MICAL1 is on the minus strand). VCF-style: chr6-109452544-T-C. GRCh37 (hg19) VCF-style: chr6-109773747-T-C.
Other names: c.643A>G, p.Ile215Val (NM_001159291.2); c.700A>G, p.Ile234Val (NM_001286613.2); short protein forms I215V, I234V.
Identifiers: ClinVar variation 1915393 (VCV001915393.5), dbSNP rs780679824, ClinGen allele CA3953687.
Genomic context (GRCh38, chr6:109,452,544, plus strand): 5'-GCTTCTTTGAGGGAAGTGATCACTCACCTTCAGGGACGAATTTACCTCCTGCAGCCGAGA[T>C]AAGGACGTCAAATTCATAGTTGGCCAGCTGGGCAGGGGGGTTGGGTTGGAGCTGGGCACG-3'
Protein context (NP_073602.3, residues 205-225): QLANYEFDVL[Ile215Val]SAAGGKFVPE

ClinVar aggregate classification (germline): Uncertain significance (1 of 4 stars; one submission).

Allele frequency attached by ClinVar (database versions not stated): ExAC 0.00002.
gnomAD v4.1: 22 of 1,613,944 alleles (0.0014%); highest among the groups gnomAD compares: South Asian, 0.0055%; 1 homozygote.

Submission:

Labcorp Genetics (formerly Invitae), Labcorp
Classification: Uncertain significance. Last evaluated: 2022-09-18. Review status: criteria provided, single submitter. Criteria: Invitae Variant Classification Sherloc (09022015). Collection method: clinical testing. Allele origin: germline.
Comment: In summary, the available evidence is currently insufficient to determine the role of this variant in disease. Therefore, it has been classified as a Variant of Uncertain Significance. Algorithms developed to predict the effect of missense changes on protein structure and function (SIFT, PolyPhen-2, Align-GVGD) all suggest that this variant is likely to be tolerated. This variant has not been reported in the literature in individuals affected with MICAL1-related conditions. This variant is present in population databases (rs780679824, gnomAD 0.01%). This sequence change replaces isoleucine, which is neutral and non-polar, with valine, which is neutral and non-polar, at codon 234 of the MICAL1 protein (p.Ile234Val).